The following is an entry in ClinVar:

NM_004304.5(ALK):c.952+16C>T

Gene: ALK (ALK receptor tyrosine kinase; minus strand). Cytogenetic location: 2p23.2.
Variant type: single nucleotide variant.
Coding change: c.952+16C>T on transcript NM_004304.5 (MANE Select); 16 bases into the intron after coding-DNA position 952, C replaced by T.
Molecular consequence: intron variant.
Genome position (GRCh38, 1-based): chr2:29,694,834, G>A on the plus strand (C>T on the coding strand, the complement: ALK is on the minus strand). VCF-style: chr2-29694834-G-A. GRCh37 (hg19) VCF-style: chr2-29917700-G-A.
Other names: c.952+16C>T (LRG_488t1).
Identifiers: ClinVar variation 516902 (VCV000516902.20), dbSNP rs112736234, ClinGen allele CA1594803.

ClinVar aggregate classification (germline): Benign/Likely benign. Review status: criteria provided, multiple submitters, no conflicts (2 of 4 stars). 7 submissions from 7 submitters: Benign (5); Likely benign (1). 1 of the submissions does not count toward it. Last evaluated 2026-02-04.

Conditions:
Neuroblastoma, susceptibility to, 3. Also called: ALK-Related Neuroblastic Tumor Susceptibility. Identifiers: Orphanet 635, MedGen C2751681, MONDO:0013083, OMIM 613014.

Allele frequency attached by ClinVar (database versions not stated): gnomAD exomes 0.00131 and 0.00326; ExAC 0.00417; gnomAD 0.01289 and 0.01371; TOPMed 0.01504; ESP Exome Variant Server 0.01668; 1000 Genomes Project 0.01697; 1000 Genomes Project 30x 0.01702.
gnomAD v4.1: 3,942 of 1,613,224 alleles (0.24%); highest among the groups gnomAD compares: African/African-American, 4.7%; 86 homozygotes.

Submissions (7):

Labcorp Genetics (formerly Invitae), Labcorp
Classification: Benign for Neuroblastoma, susceptibility to, 3. Last evaluated: 2026-02-04. Review status: criteria provided, single submitter. Criteria: Invitae Variant Classification Sherloc (09022015). Collection method: clinical testing. Allele origin: germline.

ARUP Laboratories, Molecular Genetics and Genomics, ARUP Laboratories
Classification: Benign for Neuroblastoma, susceptibility to, 3. Last evaluated: 2023-06-19. Review status: criteria provided, single submitter. Criteria: ARUP Molecular Germline Variant Investigation Process 2024. Collection method: clinical testing. Allele origin: germline.

Fulgent Genetics
Classification: Likely benign for Neuroblastoma, susceptibility to, 3. Last evaluated: 2022-05-24. Review status: criteria provided, single submitter. Criteria: ACMG Guidelines, 2015. Collection method: clinical testing. Allele origin: unknown.

GeneDx
Classification: Benign. Last evaluated: 2017-05-21. Review status: criteria provided, single submitter. Criteria: GeneDx Variant Classification (06012015). Collection method: clinical testing. Allele origin: germline. Affected: yes.
Comment: This variant is considered likely benign or benign based on one or more of the following criteria: it is a conservative change, it occurs at a poorly conserved position in the protein, it is predicted to be benign by multiple in silico algorithms, and/or has population frequency not consistent with disease.

Clinical Genetics DNA and cytogenetics Diagnostics Lab, Erasmus MC, Erasmus Medical Center
Classification: Benign for Neuroblastoma, susceptibility to, 3. Last evaluated: 2015-09-21. Review status: criteria provided, single submitter. Criteria: ACGS Guidelines, 2013. Collection method: clinical testing. Allele origin: germline. Affected: yes. Study: VKGL Data-share Consensus.

Breakthrough Genomics
Classification: Benign. Review status: criteria provided, single submitter. Criteria: ACMG Guidelines, 2015. Collection method: not provided. Allele origin: germline. Inheritance: Unknown mechanism. Affected: yes.

Genome Diagnostics Laboratory, Amsterdam University Medical Center
Classification: Benign for Neuroblastoma, susceptibility to, 3. Last evaluated: 2016-04-06. Review status: no assertion criteria provided. Criteria: ACGS Guidelines, 2013. Collection method: clinical testing. Allele origin: germline. Affected: yes. Study: VKGL Data-share Consensus. Not counted in ClinVar's aggregate classification.